The following is an entry in ClinVar:

NM_001111125.3(IQSEC2):c.797_806dup (p.Tyr269Ter)

Gene: IQSEC2 (IQ motif and Sec7 domain ArfGEF 2; minus strand). Cytogenetic location: Xp11.22.
Variant type: Duplication.
Coding change: c.797_806dup on transcript NM_001111125.3 (MANE Select); coding-DNA positions 797 to 806, 10 bases duplicated (AACCCCCCTA; older notation c.797_806dupAACCCCCCTA).
Protein change: p.Tyr269Ter; replaces tyrosine 269 with a stop codon.
Molecular consequence: nonsense.
Genome position (GRCh38, 1-based): chrX:53,255,993-53,256,002, TAGGGGGGTT duplicated on the plus strand (AACCCCCCTA on the coding strand, the reverse complement: IQSEC2 is on the minus strand). VCF-style (leftmost placement, unchanged base first): chrX-53255992-G-GTAGGGGGGTT. GRCh37 (hg19) VCF-style: chrX-53285174-G-GTAGGGGGGTT.
Other names: c.182_191dup, p.Tyr64Ter (NM_015075.2); short protein forms Y269*, Y64*.
Identifiers: ClinVar variation 816996 (VCV000816996.1), dbSNP rs1602293823, ClinGen allele CA915951104.

ClinVar aggregate classification (germline): Pathogenic (1 of 4 stars; one submission).

Submission:

GeneDx
Classification: Pathogenic. Last evaluated: 2016-12-01. Review status: criteria provided, single submitter. Criteria: GeneDx Variant Classification (06012015). Collection method: clinical testing. Allele origin: germline. Affected: yes.
Comment: The IQSEC2 gene encodes a guanine nucleotide exchange factor for the ARF family of GTP-binding proteins (MIM: 300522). Variants in the IQSEC2 gene have been reported to co-segregate with an intellectual disability phenotype in several families with multiple affected male relatives (Shoubridge et al., 2010; Rauch et al., 2012). In one study, males with IQSEC2 variants were described to have moderate to severe intellectual disability and some had additional features of autistic traits, seizures, psychiatric problems and delayed language skills, although the combination of features was noted to vary among families (Shoubridge et al., 2010). A more recent study identified de novo truncating IQSEC2 variants in two severely affected unrelated males with developmental delay, seizures, hypotonia, plagiocephaly, and abnormal MRI findings (Gandomi et al., 2013). Phenotypic variability has also been observed in females with heterozygous IQSEC2 variants. In one study of X-linked intellectual disability, heterozygous females were generally asymptomatic, although some exhibited learning problems (Shoubridge et al., 2010). In contrast, an exome sequencing study of individuals with epileptic encephalopathy identified de novo IQSEC2 nonsense mutations in two females with seizures, developmental delay, and mild to moderate intellectual disability (Epi4K Consortium, 2013). The majority of pathogenic variants in IQSEC2 reported to date have been missense and nonsense variants, however one small deletion has also been reported according to the Human Gene Mutation Database (Stenson et al., 2014).